The following is an entry in ClinVar:

ClinVar aggregate classification (germline): Uncertain significance (1 of 4 stars; one submission).

Allele frequency attached by ClinVar (database versions not stated): gnomAD exomes below 0.00001.

Submission:

Labcorp Genetics (formerly Invitae), Labcorp
Classification: Uncertain significance. Last evaluated: 2022-12-15. Review status: criteria provided, single submitter. Criteria: Invitae Variant Classification Sherloc (09022015). Collection method: clinical testing. Allele origin: germline.
Comment: Algorithms developed to predict the effect of missense changes on protein structure and function output the following: SIFT: "Tolerated"; PolyPhen-2: "Benign"; Align-GVGD: "Class C0". The alanine amino acid residue is found in multiple mammalian species, which suggests that this missense change does not adversely affect protein function. This variant has not been reported in the literature in individuals affected with SIAE-related conditions. This variant is not present in population databases (gnomAD no frequency). This sequence change replaces valine, which is neutral and non-polar, with alanine, which is neutral and non-polar, at codon 273 of the SIAE protein (p.Val273Ala). In summary, the available evidence is currently insufficient to determine the role of this variant in disease. Therefore, it has been classified as a Variant of Uncertain Significance.

NM_170601.5(SIAE):c.818T>C (p.Val273Ala)

Gene: SIAE (sialic acid acetylesterase; minus strand). Cytogenetic location: 11q24.2.
Variant type: single nucleotide variant.
Coding change: c.818T>C on transcript NM_170601.5 (MANE Select); coding-DNA position 818, T replaced by C.
Protein change: p.Val273Ala; replaces valine 273 with alanine.
Molecular consequence: missense variant.
Genome position (GRCh38, 1-based): chr11:124,648,080, A>G on the plus strand (T>C on the coding strand, the complement: SIAE is on the minus strand). VCF-style: chr11-124648080-A-G. GRCh37 (hg19) VCF-style: chr11-124517976-A-G.
Other names: c.713T>C, p.Val238Ala (NM_001199922.2); short protein forms V238A, V273A.
Identifiers: ClinVar variation 2999514 (VCV002999514.3), dbSNP rs2496902207, ClinGen allele CA383149176.
Genomic context (GRCh38, chr11:124,648,080, plus strand): 5'-CAAACGCTATCTGATACAATGGAGAAAGAGTACACTGAACACTTACCCTGGTACCATACT[A>G]CCCCTTTCAGAGTCATATTGCACAGTGGATGGATCATGGCATTCCAGAGAACAGAGTGCT-3'
Protein context (NP_733746.1, residues 263-283): HPLCNMTLKG[Val273Ala]VWYQGESNIN